The following is an entry in ClinVar:

NM_002439.5(MSH3):c.2240T>C (p.Val747Ala)

Gene: MSH3 (mutS homolog 3; plus strand). Cytogenetic location: 5q14.1.
Variant type: single nucleotide variant.
Coding change: c.2240T>C on transcript NM_002439.5 (MANE Select); coding-DNA position 2240, T replaced by C.
Protein change: p.Val747Ala; replaces valine 747 with alanine.
Molecular consequence: missense variant.
Genome position (GRCh38, 1-based): chr5:80,768,990, T>C. VCF-style: chr5-80768990-T-C. GRCh37 (hg19) VCF-style: chr5-80064809-T-C.
Other names: c.2240T>C (NM_002439.3); short protein forms V747A.
Identifiers: ClinVar variation 1022926 (VCV001022926.9), dbSNP rs1744171867, ClinGen allele CA360279777.
Genomic context (GRCh38, chr5:80,768,990, plus strand): 5'-GAATGCATTTGCAAGAAATACGAAAAATACTAAAAAATCCTTCTGCACAATATGTGACAG[T>C]ATCAGGACAGGAGGTAATGTCAAGCTTACTTTTATTTTCTATTAGTTTTACTCTAGTAGA-3'
Protein context (NP_002430.3, residues 737-757): LKNPSAQYVT[Val747Ala]SGQEFMIEIK

ClinVar aggregate classification (germline): Uncertain significance. Review status: criteria provided, multiple submitters, no conflicts (2 of 4 stars). 2 submissions from 2 submitters: Uncertain significance (2). Last evaluated 2026-07-23.

Conditions:
Hereditary cancer-predisposing syndrome. Also called: Tumor predisposition; Hereditary Cancer Syndrome; Hereditary neoplastic syndrome; Neoplastic Syndromes, Hereditary. Identifiers: Orphanet 140162, MedGen C0027672, MeSH D009386, MONDO:0015356.

Submissions (2):

Ambry Genetics
Classification: Uncertain significance for Hereditary cancer-predisposing syndrome. Last evaluated: 2026-07-23. Review status: criteria provided, single submitter. Criteria: Ambry Variant Classification Scheme 2023. Collection method: clinical testing. Allele origin: germline.
Comment: The p.V747A variant (also known as c.2240T>C), located in coding exon 15 of the MSH3 gene, results from a T to C substitution at nucleotide position 2240. The valine at codon 747 is replaced by alanine, an amino acid with similar properties. This amino acid position is conserved. In addition, the in silico prediction for this alteration is inconclusive. Based on the available evidence, the clinical significance of this variant remains unclear.

Labcorp Genetics (formerly Invitae), Labcorp
Classification: Uncertain significance. Last evaluated: 2024-03-01. Review status: criteria provided, single submitter. Criteria: Invitae Variant Classification Sherloc (09022015). Collection method: clinical testing. Allele origin: germline.
Comment: This sequence change replaces valine, which is neutral and non-polar, with alanine, which is neutral and non-polar, at codon 747 of the MSH3 protein (p.Val747Ala). This variant is not present in population databases (gnomAD no frequency). This variant has not been reported in the literature in individuals affected with MSH3-related conditions. ClinVar contains an entry for this variant (Variation ID: 1022926). An algorithm developed to predict the effect of missense changes on protein structure and function (PolyPhen-2) suggests that this variant is likely to be disruptive. In summary, the available evidence is currently insufficient to determine the role of this variant in disease. Therefore, it has been classified as a Variant of Uncertain Significance.